The following is an entry in ClinVar:

ClinVar aggregate classification (germline): Benign. Review status: criteria provided, multiple submitters, no conflicts (2 of 4 stars). 5 submissions from 5 submitters: Benign (5). Last evaluated 2026-02-04.

Conditions:
Usher syndrome type 2A. Also called: RETINAL DISEASE IN USHER SYNDROME TYPE IIA, MODIFIER OF; USHER SYNDROME, TYPE IIA. Identifiers: Orphanet 231178, Orphanet 886, MedGen C1848634, MONDO:0010169, OMIM 276901.

Allele frequency attached by ClinVar (database versions not stated): 1000 Genomes Project 0.00719; 1000 Genomes Project 30x 0.00734; TOPMed 0.01258; ExAC 0.01306; ESP Exome Variant Server 0.01307; gnomAD exomes 0.01381 and 0.01864; gnomAD 0.01397 and 0.01418.
gnomAD v4.1: 29,129 of 1,613,270 alleles (1.8%); highest among the groups gnomAD compares: Non-Finnish European, 2.1%; 332 homozygotes.

Submissions (5):

Labcorp Genetics (formerly Invitae), Labcorp
Classification: Benign. Last evaluated: 2026-02-04. Review status: criteria provided, single submitter. Criteria: Invitae Variant Classification Sherloc (09022015). Collection method: clinical testing. Allele origin: germline.

ARUP Laboratories, Molecular Genetics and Genomics, ARUP Laboratories
Classification: Benign. Last evaluated: 2023-09-22. Review status: criteria provided, single submitter. Criteria: ARUP Molecular Germline Variant Investigation Process 2024. Collection method: clinical testing. Allele origin: germline.

Genome-Nilou Lab
Classification: Benign for Usher syndrome type 2A. Last evaluated: 2021-07-01. Review status: criteria provided, single submitter. Criteria: ACMG Guidelines, 2015. Collection method: clinical testing. Allele origin: germline. Affected: no.

GeneDx
Classification: Benign. Last evaluated: 2013-05-12. Review status: criteria provided, single submitter. Criteria: GeneDx Variant Classification (06012015). Collection method: clinical testing. Allele origin: germline. Affected: yes.
Comment: This variant is considered likely benign or benign based on one or more of the following criteria: it is a conservative change, it occurs at a poorly conserved position in the protein, it is predicted to be benign by multiple in silico algorithms, and/or has population frequency not consistent with disease.

Breakthrough Genomics
Classification: Benign. Review status: criteria provided, single submitter. Criteria: ACMG Guidelines, 2015. Collection method: not provided. Allele origin: germline. Inheritance: Autosomal recessive inheritance. Affected: yes.

NM_206933.4(USH2A):c.8681+18A>G

Gene: USH2A (usherin; minus strand). Cytogenetic location: 1q41.
Variant type: single nucleotide variant.
Coding change: c.8681+18A>G on transcript NM_206933.4 (MANE Select); 18 bases into the intron after coding-DNA position 8681, A replaced by G.
Molecular consequence: intron variant.
Genome position (GRCh38, 1-based): chr1:215,877,740, T>C on the plus strand (A>G on the coding strand, the complement: USH2A is on the minus strand). VCF-style: chr1-215877740-T-C. GRCh37 (hg19) VCF-style: chr1-216051082-T-C.
Identifiers: ClinVar variation 137897 (VCV000137897.26), dbSNP rs41277198, ClinGen allele CA291625.
Genomic context (GRCh38, chr1:215,877,740, plus strand): 5'-ACACTGAGATACTTTGAACTATTCAACATGCCCAGAACTAAATGCCAGCATTTGTTTTTA[T>C]AGTTTTTGTAATCTCACCTGCTAAGACCCTTATCTTCATAAAGCCACTGAGTTCCTGAAT-3'